The following is an entry in ClinVar:

ClinVar aggregate classification (germline): Pathogenic/Likely pathogenic. Review status: criteria provided, multiple submitters, no conflicts (2 of 4 stars). 7 submissions from 7 submitters: Pathogenic (6); Likely pathogenic (1). Last evaluated 2025-02-09.

Conditions:
NF1-related disorder. Also called: NF1-related condition. Identifiers: MedGen CN379171.
Neurofibromatosis, type 1 (NF1). Also called: NEUROFIBROMATOSIS, TYPE I, SOMATIC; Neurofibromatosis, type I; VON RECKLINGHAUSEN DISEASE; Peripheral type neurofibromatosis. Identifiers: Orphanet 636, MedGen C0027831, MONDO:0018975, OMIM 162200. Disease mechanism: loss of function.

Submissions (7):

Labcorp Genetics (formerly Invitae), Labcorp
Classification: Pathogenic for Neurofibromatosis, type 1. Last evaluated: 2025-02-09. Review status: criteria provided, single submitter. Criteria: Invitae Variant Classification Sherloc (09022015). Collection method: clinical testing. Allele origin: germline.
Comment: This sequence change affects a donor splice site in intron 1 of the NF1 gene. It is expected to disrupt RNA splicing. Variants that disrupt the donor or acceptor splice site typically lead to a loss of protein function (PMID: 16199547), and loss-of-function variants in NF1 are known to be pathogenic (PMID: 10712197, 23913538). This variant is not present in population databases (gnomAD no frequency). Disruption of this splice site has been observed in individual(s) with neurofibromatosis type 1 (PMID: 31766501). ClinVar contains an entry for this variant (Variation ID: 1216575). Algorithms developed to predict the effect of sequence changes on RNA splicing suggest that this variant may disrupt the consensus splice site. For these reasons, this variant has been classified as Pathogenic.

NHS Central & South Genomic Laboratory Hub
Classification: Pathogenic for Neurofibromatosis type 1. Last evaluated: 2024-07-01. Review status: criteria provided, single submitter. Criteria: ACMG Guidelines, 2015. Collection method: clinical testing. Allele origin: germline. Affected: yes.

3billion
Classification: Pathogenic for Neurofibromatosis, type 1. Last evaluated: 2024-01-29. Review status: criteria provided, single submitter. Criteria: ACMG Guidelines, 2015. Collection method: clinical testing. Allele origin: germline. Affected: yes.
Comment: The variant is not observed in the gnomAD v2.1.1 dataset. Predicted Consequence/Location: Canonical splice site: predicted to alter splicing and result in a loss or disruption of normal protein function. Multiple pathogenic loss-of-function variants are reported downstream of the variant. The variant has been reported at least twice as pathogenic with clinical assertions and evidence for the classification (ClinVar ID: VCV001216575 /PMID: 31766501). Therefore, this variant is classified as Pathogenic according to the recommendation of ACMG/AMP guideline.

Blueprint Genetics
Classification: Pathogenic for NF1-related disorders. Last evaluated: 2023-01-13. Review status: criteria provided, single submitter. Criteria: ACMG Guidelines, 2015. Collection method: clinical testing. Allele origin: germline. Affected: yes. Observed: 1 variant allele.

PreventionGenetics, part of Exact Sciences
Classification: Pathogenic for NF1-related condition. Last evaluated: 2023-01-04. Review status: criteria provided, single submitter. Criteria: ACMG Guidelines, 2015. Collection method: clinical testing. Allele origin: germline.
Comment: The NF1 c.60+1G>A variant is predicted to disrupt the GT donor site and interfere with normal splicing. This variant has been reported in multiple individuals with neurofibromatosis type 1 (Melloni et al. 2019. PubMed ID: 31766501; Table S3 - Kang et al. 2019. PubMed ID: 31776437). This variant has not been reported in a large population database, indicating this variant is rare. Variants that disrupt the consensus splice donor site in NF1 are expected to be pathogenic. This variant is interpreted as pathogenic.

GeneDx
Classification: Likely pathogenic. Last evaluated: 2022-05-17. Review status: criteria provided, single submitter. Criteria: GeneDx Variant Classification Process June 2021. Collection method: clinical testing. Allele origin: germline. Affected: yes.
Comment: Canonical splice site variant predicted to result in an in-frame deletion of the adjacent exon; Not observed at significant frequency in large population cohorts (gnomAD); This variant is associated with the following publications: (PMID: 29415745, 31766501, 31776437)

Genome-Nilou Lab
Classification: Pathogenic for Neurofibromatosis, type 1. Last evaluated: 2022-03-15. Review status: criteria provided, single submitter. Criteria: ACMG Guidelines, 2015. Collection method: clinical testing. Allele origin: germline. Affected: no.

Literature cited by the submitters: PubMed 16199547 (cited by Labcorp Genetics (formerly Invitae), Labcorp); PubMed 10712197 (cited by Labcorp Genetics (formerly Invitae), Labcorp); PubMed 23913538 (cited by Labcorp Genetics (formerly Invitae), Labcorp); PubMed 31766501 (cited by Labcorp Genetics (formerly Invitae), Labcorp and 3billion).

NM_001042492.3(NF1):c.60+1G>A

Genes: MIR4733HG (MIR4733 host gene; minus strand), NF1 (neurofibromin 1; plus strand), LOC111811965 (NF1 (neurofibromin 1) promoter region; plus strand). Cytogenetic location: 17q11.2.
Variant type: single nucleotide variant.
Coding change: c.60+1G>A on transcript NM_001042492.3 (MANE Select); the canonical splice donor site of the intron after coding-DNA position 60, G replaced by A.
Molecular consequence: splice donor variant. On other transcripts: non-coding transcript variant (1).
Genome position (GRCh38, 1-based): chr17:31,095,370, G>A. VCF-style: chr17-31095370-G-A. GRCh37 (hg19) VCF-style: chr17-29422388-G-A.
Other names: c.60+1G>A (NM_001042492.2, NM_000267.4, NM_001128147.3).
Identifiers: ClinVar variation 1216575 (VCV001216575.14), dbSNP rs1555594500, ClinGen allele CA398979444.